The following is an entry in ClinVar:

ClinVar aggregate classification (germline): Uncertain significance (1 of 4 stars; one submission).

Submission:

Women's Health and Genetics/Laboratory Corporation of America, LabCorp
Classification: Uncertain significance. Last evaluated: 2026-01-12. Review status: criteria provided, single submitter. Criteria: LabCorp Variant Classification Summary - May 2015. Collection method: clinical testing. Allele origin: germline.
Comment: Variant summary: GUSB c.1905delT (p.His637ThrfsX3) results in a premature termination codon in the last exon, predicted to cause a truncation of the encoded protein, however, nonsense mediated decay is not expected to occur. The variant allele was found at a frequency of 8e-06 in 251486 control chromosomes. The available data on variant occurrences in the general population are insufficient to allow any conclusion about variant significance. To our knowledge, no occurrence of c.1905delT in individuals affected with GUSB-related conditions and no experimental evidence demonstrating its impact on protein function have been reported. No submitters have cited clinical-significance assessments for this variant to ClinVar. Based on the evidence outlined above, the variant was classified as uncertain significance.

NM_000181.4(GUSB):c.1905del (p.His637fs)

Gene: GUSB (glucuronidase beta; minus strand). Cytogenetic location: 7q11.21.
Variant type: Deletion.
Coding change: c.1905del on transcript NM_000181.4 (MANE Select); coding-DNA position 1905, one base deleted (T; older notation c.1905delT).
Protein change: p.His637fs; shifts the reading frame from histidine 637.
Molecular consequence: frameshift variant. On other transcripts: non-coding transcript variant (1).
Genome position (GRCh38, 1-based): chr7:65,960,948, A deleted on the plus strand (T on the coding strand, the reverse complement: GUSB is on the minus strand). VCF-style (leftmost placement, unchanged base first): chr7-65960947-GA-G. GRCh37 (hg19) VCF-style: chr7-65425934-GA-G.
Other names: c.1905delT (NM_000181.4); c.1467del, p.His491fs (NM_001284290.2); c.1335del, p.His447fs (NM_001293104.2); c.1248del, p.His418fs (NM_001293105.2); short protein forms H418fs, H447fs, H491fs, H637fs.
Identifiers: ClinVar variation 4689492 (VCV004689492.1).